The following is an entry in ClinVar:

NM_006734.4(HIVEP2):c.3730A>G (p.Lys1244Glu)

Gene: HIVEP2 (HIVEP zinc finger 2; minus strand). Cytogenetic location: 6q24.2.
Variant type: single nucleotide variant.
Coding change: c.3730A>G on transcript NM_006734.4 (MANE Select); coding-DNA position 3730, A replaced by G.
Protein change: p.Lys1244Glu; replaces lysine 1244 with glutamic acid.
Molecular consequence: missense variant.
Genome position (GRCh38, 1-based): chr6:142,771,009, T>C on the plus strand (A>G on the coding strand, the complement: HIVEP2 is on the minus strand). VCF-style: chr6-142771009-T-C. GRCh37 (hg19) VCF-style: chr6-143092146-T-C.
Other names: short protein forms K1244E.
Identifiers: ClinVar variation 931682 (VCV000931682.8), dbSNP rs777382930, ClinGen allele CA4028195.

ClinVar aggregate classification (germline): Conflicting classifications of pathogenicity. Review status: criteria provided, conflicting classifications (1 of 4 stars). 2 submissions from 2 submitters: Uncertain significance (1); Likely benign (1). Last evaluated 2024-04-18.

Conditions:
Intellectual developmental disorder, autosomal dominant 43. Also called: Intellectual disability, autosomal dominant 43. Identifiers: MedGen C4707429, MONDO:0014858, OMIM 616977.

Allele frequency attached by ClinVar (database versions not stated): gnomAD 0.00001; ExAC 0.00002; TOPMed 0.00001; gnomAD exomes 0.00002.
gnomAD v4.1: 31 of 1,614,042 alleles (0.0019%); highest among the groups gnomAD compares: South Asian, 0.0033%; no homozygotes.

Submissions (2):

Labcorp Genetics (formerly Invitae), Labcorp
Classification: Likely benign. Last evaluated: 2024-04-18. Review status: criteria provided, single submitter. Criteria: Invitae Variant Classification Sherloc (09022015). Collection method: clinical testing. Allele origin: germline.

Centre for Mendelian Genomics, University Medical Centre Ljubljana
Classification: Uncertain significance for Intellectual developmental disorder, autosomal dominant 43. Last evaluated: 2019-10-01. Review status: criteria provided, single submitter. Criteria: ACMG Guidelines, 2015. Collection method: clinical testing. Allele origin: unknown. Affected: yes.
Comment: This variant was classified as: Uncertain significance. The available evidence on this variant's pathogenicity is insufficient or conflicting. The following ACMG criteria were applied in classifying this variant: PP3.